The following is an entry in ClinVar:

ClinVar aggregate classification (germline): Benign. Review status: criteria provided, single submitter (1 of 4 stars). 2 submissions from 1 submitter: Benign (2). Last evaluated 2018-01-13.

Conditions:
Otofaciocervical syndrome 1 (OTFCS). Identifiers: MedGen C3714941, MONDO:0024532, OMIM 166780.
Branchiootic syndrome 1 (BOS1). Also called: BO SYNDROME 1; BRANCHIOOTIC DYSPLASIA. Identifiers: MedGen C1865143, MONDO:0011258, OMIM 602588.

gnomAD v4.1: 31 of 1,611,580 alleles (0.0019%); highest among the groups gnomAD compares: Admixed American, 0.0067%; no homozygotes.

Submissions (2):

Illumina Laboratory Services, Illumina
Classification: Benign for Branchiootic syndrome. Last evaluated: 2018-01-13. Review status: criteria provided, single submitter. Criteria: ICSL Variant Classification Criteria 13 December 2019. Collection method: clinical testing. Allele origin: germline.
Comment: This variant was observed in the ICSL laboratory as part of a predisposition screen in an ostensibly healthy population. It had not been previously curated by ICSL or reported in the Human Gene Mutation Database (HGMD: prior to June 1st, 2018), and was therefore a candidate for classification through an automated scoring system. Utilizing variant allele frequency, disease prevalence and penetrance estimates, and inheritance mode, an automated score was calculated to assess if this variant is too frequent to cause the disease. Based on the score and internal cut-off values, a variant classified as benign is not then subjected to further curation. The score for this variant resulted in a classification of benign for this disease.

Illumina Laboratory Services, Illumina
Classification: Benign for Otofaciocervical syndrome 1. Last evaluated: 2018-01-13. Review status: criteria provided, single submitter. Criteria: ICSL Variant Classification Criteria 13 December 2019. Collection method: clinical testing. Allele origin: germline.
Comment: the same text as in the submission from Illumina Laboratory Services, Illumina above.

NM_000503.6(EYA1):c.1701C>T (p.His567=)

Gene: EYA1 (EYA transcriptional coactivator and phosphatase 1; minus strand). Cytogenetic location: 8q13.3.
Variant type: single nucleotide variant.
Coding change: c.1701C>T on transcript NM_000503.6 (MANE Select); coding-DNA position 1701, C replaced by T.
Protein change: p.His567=; no amino-acid change (histidine 567 retained).
Molecular consequence: synonymous variant.
Genome position (GRCh38, 1-based): chr8:71,199,418, G>A on the plus strand (C>T on the coding strand, the complement: EYA1 is on the minus strand). VCF-style: chr8-71199418-G-A. GRCh37 (hg19) VCF-style: chr8-72111653-G-A.
Other names: c.1683C>T, p.His561= (NM_001288574.2, NM_172059.5); c.1335C>T, p.His445= (NM_001288575.2); c.1788C>T, p.His596= (NM_001370333.1); c.1701C>T, p.His567= (NM_001370334.1, NM_001370335.1, NM_172058.4); c.1680C>T, p.His560= (NM_001370336.1).
Identifiers: ClinVar variation 363647 (VCV000363647.5), dbSNP rs763080811, ClinGen allele CA4779378.